The following is an entry in ClinVar:

ClinVar aggregate classification (germline): Uncertain significance (3 of 4 stars; one submission).

Conditions:
Monogenic diabetes. Identifiers: Orphanet 183625, MedGen C3888631, MONDO:0015967.

Submission:

ClinGen Monogenic Diabetes Variant Curation Expert Panel
Classification: Uncertain significance for Monogenic diabetes. Last evaluated: 2025-10-03. Review status: reviewed by expert panel. Criteria: ClinGen Diabetes ACMG Specifications HNF1A V3.0.0. Collection method: curation. Allele origin: germline. Inheritance: Autosomal dominant inheritance.
Comment: The c.1769-1G>A variant in the HNF1 homeobox A gene, HNF1A, is predicted to remove a canonical splice acceptor site in intron 10 of NM_000545.8. This variant, located in the donor site of exon 10 of 10, is predicted to disrupt a significant part of the transactivation domain, a functionally important region of the protein. Even though this truncated transcript is predicted to escape nonsense-mediated decay in a gene in which loss-of-function is an established mechanism of disease, there is clinical evidence that variants in this region lead to a monogenic diabetes phenotype. (PVS1_Strong; PMID: 23348805). Additionally, this variant is absent from gnomAD v4.1.0 (PM2_Supporting). Therefore, PP4 could not be applied (Internal lab contributor). This variant segregated with diabetes with two informative meioses in a single family; however, this does not meet the thresholds for PP1 set by the ClinGen MDEP (Internal lab contributor). In summary, c.1769-1G>A meets the criteria to be classified as a variant of uncertain significance for monogenic diabetes. ACMG/AMP criteria applied, as specified by the ClinGen MDEP (specification version 3.0.0, approved 6/30/2025: PVS1_Strong, PM2_Supporting.

Literature cited by the submitters: PubMed 23348805.

NM_000545.8(HNF1A):c.1769-1G>A

Genes: C12orf43 (chromosome 12 open reading frame 43; minus strand), HNF1A (HNF1 homeobox A; plus strand). Cytogenetic location: 12q24.31.
Variant type: single nucleotide variant.
Coding change: c.1769-1G>A on transcript NM_000545.8 (MANE Select); the canonical splice acceptor site of the intron before coding-DNA position 1769, G replaced by A.
Molecular consequence: splice acceptor variant. On other transcripts: 3 prime UTR variant (3).
Genome position (GRCh38, 1-based): chr12:121,001,064, G>A. VCF-style: chr12-121001064-G-A. GRCh37 (hg19) VCF-style: chr12-121438867-G-A.
Other names: NM_022895.3:c.*3089C>T; c.*3089C>T (NM_001286191.2, NM_001286196.2, NM_022895.3); c.1790-1G>A (NM_001306179.2); c.1577-1G>A (NM_001406915.1).
Identifiers: ClinVar variation 1687082 (VCV001687082.4), dbSNP rs2135854372, ClinGen allele CA386940950.
Genomic context (GRCh38, chr12:121,001,064, plus strand): 5'-AGGCAGGTGGGGTGGGTGTGGGTGCCTGGTGGGTGGCTAGCAGCCTTGTTTGCCTCTGCA[G>A]TGTCCTCCAGCAGCCTGGTGCTGTACCAGAGCTCAGACTCCAGCAATGGCCAGAGCCACC-3'